The following is an entry in ClinVar:

ClinVar aggregate classification (germline): Uncertain significance. Review status: criteria provided, multiple submitters, no conflicts (2 of 4 stars). 2 submissions from 2 submitters: Uncertain significance (2). Last evaluated 2023-05-13.

Conditions:
Autoinflammatory syndrome, familial, Behcet-like 1 (AIFBL1). Also called: Haploinsufficiency of A20. Identifiers: Orphanet 674762, MedGen C4225218, MONDO:0800045, OMIM 616744.

gnomAD v4.1: 18 of 1,614,132 alleles (0.0011%); highest among the groups gnomAD compares: Non-Finnish European, 0.0015%; no homozygotes.

Submissions (2):

Labcorp Genetics (formerly Invitae), Labcorp
Classification: Uncertain significance. Last evaluated: 2023-05-13. Review status: criteria provided, single submitter. Criteria: Invitae Variant Classification Sherloc (09022015). Collection method: clinical testing. Allele origin: germline.
Comment: ClinVar contains an entry for this variant (Variation ID: 2431854). This variant has not been reported in the literature in individuals affected with TNFAIP3-related conditions. This sequence change replaces arginine, which is basic and polar, with tryptophan, which is neutral and slightly polar, at codon 61 of the TNFAIP3 protein (p.Arg61Trp). This variant is not present in population databases (gnomAD no frequency). Advanced modeling of protein sequence and biophysical properties (such as structural, functional, and spatial information, amino acid conservation, physicochemical variation, residue mobility, and thermodynamic stability) performed at Invitae indicates that this missense variant is not expected to disrupt TNFAIP3 protein function. In summary, the available evidence is currently insufficient to determine the role of this variant in disease. Therefore, it has been classified as a Variant of Uncertain Significance.

Laboratorio de Genetica e Diagnostico Molecular, Hospital Israelita Albert Einstein
Classification: Uncertain significance for Autoinflammatory syndrome, familial, Behcet-like 1. Last evaluated: 2022-09-23. Review status: criteria provided, single submitter. Criteria: ACMG Guidelines, 2015. Collection method: clinical testing. Allele origin: germline. Affected: yes. Observed: 1 variant allele.
Comment: ACMG classification criteria: PM2 moderated, BP4 supporting

NM_001270508.2(TNFAIP3):c.181C>T (p.Arg61Trp)

Gene: TNFAIP3 (TNF alpha induced protein 3; plus strand). Cytogenetic location: 6q23.3.
Variant type: single nucleotide variant.
Coding change: c.181C>T on transcript NM_001270508.2 (MANE Select); coding-DNA position 181, C replaced by T.
Protein change: p.Arg61Trp; replaces arginine 61 with tryptophan.
Molecular consequence: missense variant.
Genome position (GRCh38, 1-based): chr6:137,871,408, C>T. VCF-style: chr6-137871408-C-T. GRCh37 (hg19) VCF-style: chr6-138192545-C-T.
Other names: c.181C>T, p.Arg61Trp (NM_001270507.2, NM_006290.4); short protein forms R61W.
Identifiers: ClinVar variation 2431854 (VCV002431854.4), dbSNP rs970781981, ClinGen allele CA148257044.
Genomic context (GRCh38, chr6:137,871,408, plus strand): 5'-AAAACCATGCACCGATACACACTGGAAATGTTCAGAACTTGCCAGTTTTGTCCTCAGTTT[C>T]GGGAGATCATCCACAAAGCCCTCATCGACAGAAACATCCAGGCCACCCTGGAAAGCCAGA-3'
Protein context (NP_001257437.1, residues 51-71): FRTCQFCPQF[Arg61Trp]EIIHKALIDR